The following is an entry in ClinVar:

ClinVar aggregate classification (germline): Uncertain significance. Review status: criteria provided, multiple submitters, no conflicts (2 of 4 stars). 4 submissions from 4 submitters: Uncertain significance (4). Last evaluated 2024-03-25.

Conditions:
Nephronophthisis. Also called: Juvenile Nephronophthisis. Identifiers: Orphanet 655, MedGen C0687120, MONDO:0019005, HP:0000090.
Jeune thoracic dystrophy. Also called: Jeune syndrome; Infantile thoracic dystrophy; Thoracic pelvic phalangeal dystrophy; Jeune's syndrome; Chondroectodermal dysplasia-like syndrome; Short-rib thoracic dysplasia. Identifiers: Orphanet 474, MedGen C0265275, MONDO:0018770.
Inborn genetic diseases. Identifiers: MedGen C0950123, MeSH D030342.
Nephronophthisis 12 (NPHP12). Identifiers: Orphanet 655, MedGen C3151186, MONDO:0013442, OMIM 613820.
Asphyxiating thoracic dystrophy 4 (SRTD4). Also called: SHORT-RIB THORACIC DYSPLASIA 4 WITH OR WITHOUT POLYDACTYLY; SHORT-RIB THORACIC DYSPLASIA 4. Identifiers: Orphanet 474, MedGen C3151185, MONDO:0013441, OMIM 613819.

Allele frequency attached by ClinVar (database versions not stated): gnomAD 0.00001; gnomAD exomes 0.00001; TOPMed 0.00001; ExAC 0.00002.

Submissions (4):

Genomic Medicine Center of Excellence, King Faisal Specialist Hospital and Research Centre
Classification: Uncertain significance for Nephronophthisis 12. Last evaluated: 2024-03-25. Review status: criteria provided, single submitter. Criteria: ACMG Guidelines, 2015. Collection method: research. Allele origin: germline.

Ambry Genetics
Classification: Uncertain significance for Inborn genetic diseases. Last evaluated: 2023-09-05. Review status: criteria provided, single submitter. Criteria: Ambry Variant Classification Scheme 2023. Collection method: clinical testing. Allele origin: germline.
Comment: The c.3460-3T>C intronic alteration consists of a T to C substitution 3 nucleotides before coding exon 26 in the TTC21B gene. Based on insufficient or conflicting evidence, the clinical significance of this alteration remains unclear.

Labcorp Genetics (formerly Invitae), Labcorp
Classification: Uncertain significance for Jeune thoracic dystrophy; Nephronophthisis. Last evaluated: 2022-04-04. Review status: criteria provided, single submitter. Criteria: Invitae Variant Classification Sherloc (09022015). Collection method: clinical testing. Allele origin: germline.
Comment: This sequence change falls in intron 25 of the TTC21B gene. It does not directly change the encoded amino acid sequence of the TTC21B protein. It affects a nucleotide within the consensus splice site. This variant is present in population databases (rs754665883, gnomAD 0.002%). This variant has not been reported in the literature in individuals affected with TTC21B-related conditions. ClinVar contains an entry for this variant (Variation ID: 1029923). Variants that disrupt the consensus splice site are a relatively common cause of aberrant splicing (PMID: 17576681, 9536098). Algorithms developed to predict the effect of sequence changes on RNA splicing suggest that this variant is not likely to affect RNA splicing. In summary, the available evidence is currently insufficient to determine the role of this variant in disease. Therefore, it has been classified as a Variant of Uncertain Significance.

Baylor Genetics
Classification: Uncertain significance for Asphyxiating thoracic dystrophy 4. Last evaluated: 2019-09-20. Review status: criteria provided, single submitter. Criteria: ACMG Guidelines, 2015. Collection method: clinical testing. Allele origin: unknown. Affected: yes.
Comment: This variant was determined to be of uncertain significance according to ACMG Guidelines, 2015 [PMID:25741868].

Literature cited by the submitters: PubMed 17576681 (cited by Labcorp Genetics (formerly Invitae), Labcorp); PubMed 9536098 (cited by Labcorp Genetics (formerly Invitae), Labcorp).

NM_024753.5(TTC21B):c.3460-3T>C

Gene: TTC21B (tetratricopeptide repeat domain 21B; minus strand). Cytogenetic location: 2q24.3.
Variant type: single nucleotide variant.
Coding change: c.3460-3T>C on transcript NM_024753.5 (MANE Select); 3 bases into the intron before coding-DNA position 3460, T replaced by C.
Molecular consequence: intron variant.
Genome position (GRCh38, 1-based): chr2:165,884,021, A>G on the plus strand (T>C on the coding strand, the complement: TTC21B is on the minus strand). VCF-style: chr2-165884021-A-G. GRCh37 (hg19) VCF-style: chr2-166740531-A-G.
Other names: c.3460-3T>C (NM_024753.3).
Identifiers: ClinVar variation 1029923 (VCV001029923.6), dbSNP rs754665883, ClinGen allele CA1941490.